The following is an entry in ClinVar:

ClinVar aggregate classification (germline): Conflicting classifications of pathogenicity. Review status: criteria provided, conflicting classifications (1 of 4 stars). 2 submissions from 2 submitters: Uncertain significance (1); Likely benign (1). Last evaluated 2023-03-23.

Conditions:
Hereditary cancer-predisposing syndrome. Also called: Neoplastic Syndromes, Hereditary; Tumor predisposition; Hereditary Cancer Syndrome; Hereditary neoplastic syndrome. Identifiers: Orphanet 140162, MedGen C0027672, MeSH D009386, MONDO:0015356.

Submissions (2):

University of Washington Department of Laboratory Medicine, University of Washington
Classification: Likely benign for Hereditary cancer-predisposing syndrome. Last evaluated: 2023-03-23. Review status: criteria provided, single submitter. Criteria: Dines et al. (Genet Med. 2020). Collection method: curation. Allele origin: germline.
Comment: Missense variant in a coldspot region where missense variants are very unlikely to be pathogenic (PMID:31911673).

BRCA1 coldspot (exon 11 using historical exon numbering). Reclassification based on statistical prior probability

Ambry Genetics
Classification: Uncertain significance for Hereditary cancer-predisposing syndrome. Last evaluated: 2021-02-25. Review status: criteria provided, single submitter. Criteria: Ambry Variant Classification Scheme 2023. Collection method: clinical testing. Allele origin: germline.
Comment: The p.T1242S variant (also known as c.3724A>T), located in coding exon 9 of the BRCA1 gene, results from an A to T substitution at nucleotide position 3724. The threonine at codon 1242 is replaced by serine, an amino acid with similar properties. This amino acid position is not well conserved in available vertebrate species. In addition, this alteration is predicted to be tolerated by in silico analysis. Since supporting evidence is limited at this time, the clinical significance of this alteration remains unclear.

NM_007294.4(BRCA1):c.3724A>T (p.Thr1242Ser)

Genes: BRCA1 (BRCA1 DNA repair associated; minus strand), LOC126862571 (BRD4-independent group 4 enhancer GRCh37_chr17:41243136-41244335; plus strand). Cytogenetic location: 17q21.31.
Variant type: single nucleotide variant.
Coding change: c.3724A>T on transcript NM_007294.4 (MANE Select); coding-DNA position 3724, A replaced by T.
Protein change: p.Thr1242Ser; replaces threonine 1242 with serine.
Molecular consequence: missense variant. On other transcripts: intron variant (135).
Genome position (GRCh38, 1-based): chr17:43,091,807, T>A on the plus strand (A>T on the coding strand, the complement: BRCA1 is on the minus strand). VCF-style: chr17-43091807-T-A. GRCh37 (hg19) VCF-style: chr17-41243824-T-A.
Other names: c.3724A>T, p.Thr1242Ser (NM_001407859.1, NM_007300.4, NM_001407581.1 and 30 more transcripts); c.3721A>T, p.Thr1241Ser (NM_001407860.1, NM_001407861.1, NM_001407587.1 and 22 more transcripts); c.3523A>T, p.Thr1175Ser (NM_001407862.1); c.3601A>T, p.Thr1201Ser (NM_001407863.1, NM_001407919.1, NM_001407937.1 and 19 more transcripts); c.3520A>T, p.Thr1174Ser (NM_001407874.1, NM_001407875.1); c.3514A>T, p.Thr1172Ser (NM_001407879.1, NM_001407881.1, NM_001407882.1 and 13 more transcripts); c.3511A>T, p.Thr1171Ser (NM_001407894.1, NM_001407895.1, NM_001407896.1 and 9 more transcripts); c.3460A>T, p.Thr1154Ser (NM_001407920.1, NM_001407921.1, NM_001407922.1 and 9 more transcripts); and 41 more; short protein forms T1114S, T1115S, T1154S, T1174S, T1175S, T1194S, T1200S, T946S.
Identifiers: ClinVar variation 1734321 (VCV001734321.4), dbSNP rs80357037, ClinGen allele CA10594521.